The following is an entry in ClinVar:

ClinVar aggregate classification (germline): Uncertain significance. Review status: criteria provided, multiple submitters, no conflicts (2 of 4 stars). 7 submissions from 7 submitters: Uncertain significance (6). 1 of the submissions does not count toward it. Last evaluated 2024-07-01.

Conditions:
Inborn genetic diseases. Identifiers: MedGen C0950123, MeSH D030342.
Distal myopathy with anterior tibial onset. Identifiers: Orphanet 178400, MedGen C1847532, MONDO:0011721, OMIM 606768.
Miyoshi muscular dystrophy 1 (MMD1). Identifiers: Orphanet 45448, MedGen C4551973, MONDO:0024545, OMIM 254130.
Autosomal recessive limb-girdle muscular dystrophy type 2B (LGMDR2). Also called: MUSCULAR DYSTROPHY, LIMB-GIRDLE, AUTOSOMAL RECESSIVE 2; MUSCULAR DYSTROPHY, LIMB-GIRDLE, TYPE 3; Limb-Girdle Muscular Dystrophy Type 2B (LGMD2B); Limb-girdle muscular dystrophy, type 2B. Identifiers: Orphanet 268, MedGen C1850889, MONDO:0009676, OMIM 253601.
Neuromuscular disease caused by qualitative or quantitative defects of dysferlin. Also called: Qualitative or quantitative defects of dysferlin; Dysferlinopathy. Identifiers: Orphanet 207073, MedGen C2931687, MONDO:0016145.

Allele frequency attached by ClinVar (database versions not stated): gnomAD 0.00003 and 0.00004; ExAC 0.00004; gnomAD exomes 0.00004 and 0.00005; TOPMed 0.00004.
gnomAD v4.1: 70 of 1,613,918 alleles (0.0043%); highest among the groups gnomAD compares: East Asian, 0.011%; no homozygotes.

Submissions (7):

CeGaT Center for Human Genetics Tuebingen
Classification: Uncertain significance. Last evaluated: 2024-07-01. Review status: criteria provided, single submitter. Criteria: CeGaT Center For Human Genetics Tuebingen Variant Classification Criteria Version 2. Collection method: clinical testing. Allele origin: germline. Affected: yes. Observed: 2 variant alleles.
Comment: DYSF: PM2, PM5:Supporting, PP3

Labcorp Genetics (formerly Invitae), Labcorp
Classification: Uncertain significance for Neuromuscular disease caused by qualitative or quantitative defects of dysferlin. Last evaluated: 2022-08-22. Review status: criteria provided, single submitter. Criteria: Invitae Variant Classification Sherloc (09022015). Collection method: clinical testing. Allele origin: germline.
Comment: This sequence change replaces arginine, which is basic and polar, with histidine, which is basic and polar, at codon 1044 of the DYSF protein (p.Arg1044His). This variant is present in population databases (rs779159879, gnomAD 0.007%). This variant has not been reported in the literature in individuals affected with DYSF-related conditions. ClinVar contains an entry for this variant (Variation ID: 597129). Advanced modeling of protein sequence and biophysical properties (such as structural, functional, and spatial information, amino acid conservation, physicochemical variation, residue mobility, and thermodynamic stability) performed at Invitae indicates that this missense variant is expected to disrupt DYSF protein function. In summary, the available evidence is currently insufficient to determine the role of this variant in disease. Therefore, it has been classified as a Variant of Uncertain Significance.

Fulgent Genetics
Classification: Uncertain significance for Autosomal recessive limb-girdle muscular dystrophy type 2B; Miyoshi muscular dystrophy 1; Distal myopathy with anterior tibial onset. Last evaluated: 2021-07-21. Review status: criteria provided, single submitter. Criteria: ACMG Guidelines, 2015. Collection method: clinical testing. Allele origin: unknown.

Blueprint Genetics
Classification: Uncertain significance. Last evaluated: 2020-04-07. Review status: criteria provided, single submitter. Criteria: ACMG Guidelines, 2015. Collection method: clinical testing. Allele origin: germline.

Eurofins Ntd Llc (ga)
Classification: Uncertain significance. Last evaluated: 2018-05-14. Review status: criteria provided, single submitter. Criteria: EGL ClinVar v180209 classification definitions. Collection method: clinical testing. Allele origin: germline. Observed: 1 variant allele, 1 heterozygote.

Ambry Genetics
Classification: Uncertain significance for Inborn genetic diseases. Last evaluated: 2017-12-14. Review status: criteria provided, single submitter. Criteria: Ambry exome assertion method (8-5-2015). Collection method: clinical testing. Allele origin: germline. Affected: yes. Observed: 1 variant allele.

Natera, Inc.
Classification: Uncertain significance for Limb-girdle muscular dystrophy type 2B. Last evaluated: 2019-10-28. Review status: no assertion criteria provided. Collection method: clinical testing. Allele origin: germline. Not counted in ClinVar's aggregate classification.

Literature cited by the submitters: PubMed 17070050 (cited by Ambry Genetics).

NM_001130987.2(DYSF):c.3185G>A (p.Arg1062His)

Gene: DYSF (dysferlin; plus strand). Cytogenetic location: 2p13.2.
Variant type: single nucleotide variant.
Coding change: c.3185G>A on transcript NM_001130987.2 (MANE Select); coding-DNA position 3185, G replaced by A.
Protein change: p.Arg1062His; replaces arginine 1062 with histidine.
Molecular consequence: missense variant.
Genome position (GRCh38, 1-based): chr2:71,570,698, G>A. VCF-style: chr2-71570698-G-A. GRCh37 (hg19) VCF-style: chr2-71797828-G-A.
Other names: c.3134G>A, p.Arg1045His (NM_001130455.2, NM_001130983.2); c.3089G>A, p.Arg1030His (NM_001130976.2, NM_001130977.2); c.3131G>A, p.Arg1044His (NM_001130978.2, NM_003494.4); c.3224G>A, p.Arg1075His (NM_001130979.2); c.3182G>A, p.Arg1061His (NM_001130980.2, NM_001130981.2); c.3227G>A, p.Arg1076His (NM_001130982.2); c.3092G>A, p.Arg1031His (NM_001130984.2, NM_001130986.2); c.3185G>A, p.Arg1062His (NM_001130985.2); short protein forms R1062H, R1044H, R1030H, R1031H, R1061H, R1076H, R1045H, R1075H.
Identifiers: ClinVar variation 597129 (VCV000597129.28), dbSNP rs779159879, ClinGen allele CA1706458.